The following is an entry in ClinVar:

ClinVar aggregate classification (germline): Pathogenic/Likely pathogenic. Review status: criteria provided, multiple submitters, no conflicts (2 of 4 stars). 4 submissions from 4 submitters: Pathogenic (2); Likely pathogenic (2). Last evaluated 2026-02-26.

Conditions:
Deficiency of acetyl-CoA acetyltransferase. Also called: MITOCHONDRIAL ACETOACETYL-CoA THIOLASE DEFICIENCY; 3-KETOTHIOLASE DEFICIENCY; 3-OXOTHIOLASE DEFICIENCY; Beta-ketothiolase deficiency. Identifiers: Orphanet 134, MedGen C1536500, MONDO:0008760, OMIM 203750. Disease mechanism: loss of function.

Submissions (4):

Myriad Genetics, Inc.
Classification: Pathogenic for Deficiency of acetyl-CoA acetyltransferase. Last evaluated: 2026-02-26. Review status: criteria provided, single submitter. Criteria: Myriad Autosomal Dominant, Autosomal Recessive and X-Linked Classification Criteria (2023). Collection method: clinical testing. Allele origin: unknown.
Comment: NM_000019.3(ACAT1):c.537delT(I179Mfs*2) is a frameshift variant classified as pathogenic in the context of beta-ketothiolase deficiency. I179Mfs*2 has not been observed in cases with relevant disease. Relevant functional assessments of this variant are not available in the literature. I179Mfs*2 has not been observed in referenced population frequency databases. In summary, NM_000019.3(ACAT1):c.537delT(I179Mfs*2) is a frameshift variant in a gene where loss of function is a known mechanism of disease and is predicted to disrupt protein function. Please note: this variant was assessed in the context of healthy population screening.

Natera, Inc.
Classification: Likely pathogenic for Alpha-methylacetoacetic aciduria. Last evaluated: 2024-06-17. Review status: criteria provided, single submitter. Criteria: Natera Variant Classification Schema (03/2026). Collection method: clinical testing. Allele origin: germline.
Comment: The c.537delT variant in ACAT1 is a frameshift variant predicted to shift the reading frame beginning at codon 179 and leads to a stop codon 2 codons downstream. This variant is expected to result in nonsense mediated decay, truncation, or a dysfunctional protein product. This variant is rare in the general population with a frequency below the threshold expected for the associated phenotype(s). Given the available evidence, this variant is classified as Likely Pathogenic.

Baylor Genetics
Classification: Likely pathogenic for Deficiency of acetyl-CoA acetyltransferase. Last evaluated: 2023-09-07. Review status: criteria provided, single submitter. Criteria: ACMG Guidelines, 2015. Collection method: clinical testing. Allele origin: unknown.

Labcorp Genetics (formerly Invitae), Labcorp
Classification: Pathogenic for Deficiency of acetyl-CoA acetyltransferase. Last evaluated: 2021-12-14. Review status: criteria provided, single submitter. Criteria: Invitae Variant Classification Sherloc (09022015). Collection method: clinical testing. Allele origin: germline.
Comment: This variant has not been reported in the literature in individuals affected with ACAT1-related conditions. For these reasons, this variant has been classified as Pathogenic. This variant is not present in population databases (gnomAD no frequency). This sequence change creates a premature translational stop signal (p.Ile179Metfs*2) in the ACAT1 gene. It is expected to result in an absent or disrupted protein product. Loss-of-function variants in ACAT1 are known to be pathogenic (PMID: 7749408).

Literature cited by the submitters: PubMed 7749408 (cited by Labcorp Genetics (formerly Invitae), Labcorp).

NM_000019.4(ACAT1):c.537del (p.Ile179fs)

Gene: ACAT1 (acetyl-CoA acetyltransferase 1; plus strand). Cytogenetic location: 11q22.3.
Variant type: Deletion.
Coding change: c.537del on transcript NM_000019.4 (MANE Select); coding-DNA position 537, one base deleted (T; older notation c.537delT).
Protein change: p.Ile179fs; shifts the reading frame from isoleucine 179.
Molecular consequence: frameshift variant. On other transcripts: non-coding transcript variant (2).
Genome position (GRCh38, 1-based): chr11:108,138,999, T deleted; the last of 2 consecutive T bases (chr11:108,138,998-108,138,999); deleting either gives the same sequence. VCF-style (leftmost placement, unchanged base first): chr11-108138997-AT-A. GRCh37 (hg19) VCF-style: chr11-108009724-AT-A.
Other names: c.537del, p.Ile179fs (NM_001386677.1); c.222del, p.Ile74fs (NM_001386678.1); c.240del, p.Ile80fs (NM_001386679.1); c.267del, p.Ile89fs (NM_001386681.1, NM_001386682.1, NM_001386685.1 and 6 more transcripts); c.537delT (NM_000019.3); short protein forms I179fs, I74fs, I80fs, I89fs.
Identifiers: ClinVar variation 1358108 (VCV001358108.9), dbSNP rs1415293773, ClinGen allele CA671408036.